The following is an entry in ClinVar:

ClinVar aggregate classification (germline): Benign. Review status: criteria provided, single submitter (1 of 4 stars). 2 submissions from 2 submitters: Benign (1). 1 of the submissions does not count toward it. Last evaluated 2019-12-31.

Conditions:
ANKK1-related disorder. Also called: ANKK1-related condition.

Allele frequency attached by ClinVar (database versions not stated): 1000 Genomes Project 0.00978; TOPMed 0.01125; gnomAD 0.01037 and 0.01127; 1000 Genomes Project 30x 0.00953; ExAC 0.00671; ESP Exome Variant Server 0.01000.

Submissions (5):

Labcorp Genetics (formerly Invitae), Labcorp
Classification: Benign. Last evaluated: 2019-12-31. Review status: criteria provided, single submitter. Criteria: Invitae Variant Classification Sherloc (09022015). Collection method: clinical testing. Allele origin: germline.

PreventionGenetics, part of Exact Sciences
Classification: Benign for ANKK1-related condition. Last evaluated: 2019-08-20. Review status: no assertion criteria provided. Collection method: clinical testing. Allele origin: germline. Not counted in ClinVar's aggregate classification.
Comment: This variant is classified as benign based on ACMG/AMP sequence variant interpretation guidelines (Richards et al. 2015 PMID: 25741868, with internal and published modifications).

Dr. Peter K. Rogan Lab, Western University
No classification provided (evidence only). Condition: Uterine corpus endometrial carcinoma. Review status: no classification provided. Collection method: in vitro. Allele origin: not applicable. Functional consequence: retained intron. Not counted in ClinVar's aggregate classification.

Dr. Peter K. Rogan Lab, Western University
No classification provided (evidence only). Condition: Uterine corpus endometrial carcinoma. Review status: no classification provided. Collection method: in vitro. Allele origin: not applicable. Functional consequence: retained intron. Not counted in ClinVar's aggregate classification.

Dr. Peter K. Rogan Lab, Western University
No classification provided (evidence only). Condition: Malignant tumor of esophagus. Review status: no classification provided. Collection method: in vitro. Allele origin: not applicable. Functional consequence: retained intron. Not counted in ClinVar's aggregate classification.

NM_178510.2(ANKK1):c.995-7C>G

Gene: ANKK1 (ankyrin repeat and kinase domain containing 1; plus strand). Cytogenetic location: 11q23.2.
Variant type: single nucleotide variant.
Coding change: c.995-7C>G on transcript NM_178510.2 (MANE Select); 7 bases into the intron before coding-DNA position 995, C replaced by G.
Molecular consequence: intron variant.
Genome position (GRCh38, 1-based): chr11:113,398,957, C>G. VCF-style: chr11-113398957-C-G. GRCh37 (hg19) VCF-style: chr11-113269679-C-G.
Other names: NC_000011.9:g.113269679C>G.
Identifiers: ClinVar variation 785384 (VCV000785384.7), dbSNP rs114976452, ClinGen allele CA6280836.